The following is an entry in ClinVar:

NM_173546.3(KLHDC8B):c.137del (p.Leu46fs)

Gene: KLHDC8B (kelch domain containing 8B; plus strand). Cytogenetic location: 3p21.31.
Variant type: Deletion.
Coding change: c.137del on transcript NM_173546.3 (MANE Select); coding-DNA position 137, one base deleted (T; older notation c.137delT).
Protein change: p.Leu46fs; shifts the reading frame from leucine 46.
Molecular consequence: frameshift variant.
Genome position (GRCh38, 1-based): chr3:49,172,906, T deleted. VCF-style (leftmost placement, unchanged base first): chr3-49172905-CT-C. GRCh37 (hg19) VCF-style: chr3-49210338-CT-C.
Other names: short protein forms L46fs.
Identifiers: ClinVar variation 4765320 (VCV004765320.1).

ClinVar aggregate classification (germline): Uncertain significance (1 of 4 stars; one submission).

Submission:

Labcorp Genetics (formerly Invitae), Labcorp
Classification: Uncertain significance. Last evaluated: 2025-04-09. Review status: criteria provided, single submitter. Criteria: Invitae Variant Classification Sherloc (09022015). Collection method: clinical testing. Allele origin: germline.
Comment: This sequence change creates a premature translational stop signal (p.Leu46Argfs*30) in the KLHDC8B gene. It is expected to result in an absent or disrupted protein product. However, the current clinical and genetic evidence is not sufficient to establish whether loss-of-function variants in KLHDC8B cause disease. This variant is not present in population databases (gnomAD no frequency). This variant has not been reported in the literature in individuals affected with KLHDC8B-related conditions. In summary, the available evidence is currently insufficient to determine the role of this variant in disease. Therefore, it has been classified as a Variant of Uncertain Significance.